The following is an entry in ClinVar:

ClinVar aggregate classification (germline): Likely benign. Review status: criteria provided, single submitter (1 of 4 stars). 2 submissions from 2 submitters: Likely benign (1). 1 of the submissions does not count toward it. Last evaluated 2023-10-30.

Conditions:
Bardet-Biedl syndrome (BBS). Identifiers: Orphanet 110, MedGen C0752166, MONDO:0015229.
BBS9-related disorder. Also called: BBS9-related condition.

Allele frequency attached by ClinVar (database versions not stated): ExAC 0.00001; gnomAD exomes 0.00001; gnomAD 0.00003; TOPMed 0.00003.
gnomAD v4.1: 9 of 1,609,854 alleles (0.00056%); highest among the groups gnomAD compares: African/African-American, 0.0027%; no homozygotes.

Submissions (2):

Labcorp Genetics (formerly Invitae), Labcorp
Classification: Likely benign for Bardet-Biedl syndrome. Last evaluated: 2023-10-30. Review status: criteria provided, single submitter. Criteria: Invitae Variant Classification Sherloc (09022015). Collection method: clinical testing. Allele origin: germline.

PreventionGenetics, part of Exact Sciences
Classification: Likely benign for BBS9-related condition. Last evaluated: 2020-09-11. Review status: no assertion criteria provided. Collection method: clinical testing. Allele origin: germline. Not counted in ClinVar's aggregate classification.
Comment: This variant is classified as likely benign based on ACMG/AMP sequence variant interpretation guidelines (Richards et al. 2015 PMID: 25741868, with internal and published modifications).

NM_198428.3(BBS9):c.456T>C (p.Ile152=)

Gene: BBS9 (Bardet-Biedl syndrome 9; plus strand). Cytogenetic location: 7p14.3.
Variant type: single nucleotide variant.
Coding change: c.456T>C on transcript NM_198428.3 (MANE Select); coding-DNA position 456, T replaced by C.
Protein change: p.Ile152=; no amino-acid change (isoleucine 152 retained).
Molecular consequence: synonymous variant. On other transcripts: non-coding transcript variant (3).
Genome position (GRCh38, 1-based): chr7:33,257,249, T>C. VCF-style: chr7-33257249-T-C. GRCh37 (hg19) VCF-style: chr7-33296861-T-C.
Other names: c.456T>C, p.Ile152= (NM_001033604.2, NM_001033605.2, NM_001348036.1 and 7 more transcripts); c.90T>C, p.Ile30= (NM_001348037.3, NM_001348044.3, NM_001348045.3 and 1 more transcripts); c.183T>C, p.Ile61= (NM_001348038.3, NM_001348039.3); c.456T>C (NM_198428.2); c.321T>C, p.Ile107= (NM_001348042.3).
Identifiers: ClinVar variation 2044362 (VCV002044362.5), dbSNP rs775028319, ClinGen allele CA4214015.